The following is an entry in ClinVar:

NM_001034853.2(RPGR):c.2609A>C (p.Glu870Ala)

Gene: RPGR (retinitis pigmentosa GTPase regulator; minus strand). Cytogenetic location: Xp11.4.
Variant type: single nucleotide variant.
Coding change: c.2609A>C on transcript NM_001034853.2 (MANE Select); coding-DNA position 2609, A replaced by C.
Protein change: p.Glu870Ala; replaces glutamic acid 870 with alanine.
Molecular consequence: missense variant. On other transcripts: intron variant (8).
Genome position (GRCh38, 1-based): chrX:38,286,390, T>G on the plus strand (A>C on the coding strand, the complement: RPGR is on the minus strand). VCF-style: chrX-38286390-T-G. GRCh37 (hg19) VCF-style: chrX-38145643-T-G.
Other names: c.1719+704A>C (NM_001367246.1); c.1572+4569A>C (NM_001367247.1); c.1905+704A>C (NM_000328.3); c.1602+4569A>C (NM_001367248.1); c.1569+4569A>C (NM_001367249.1, NM_001367250.1); c.1902+704A>C (NM_001367245.1); c.1386+4569A>C (NM_001367251.1); short protein forms E870A.
Identifiers: ClinVar variation 4753471 (VCV004753471.1).
Genomic context (GRCh38, chrX:38,286,390, plus strand): 5'-TCCTCTTCTCCCTCCCCTTCTCCTTCCTCCTCTTCCCCCTCCCCTTCTCCTTCCTCCCCT[T>G]CTTCCTCCCCTTCTCCTTCTTCCCCTTCTTCCTCCCCTTTCCCTTCTCCTTCCTCCTCTT-3'
Protein context (NP_001030025.1, residues 860-880): EEGEEGEGEE[Glu870Ala]GEEGEGEGEE

ClinVar aggregate classification (germline): Uncertain significance (1 of 4 stars; one submission).

Conditions:
Primary ciliary dyskinesia. Also called: Ciliary dyskinesia. Identifiers: Orphanet 244, MedGen C0008780, MONDO:0016575, HP:0012265.

Submission:

Labcorp Genetics (formerly Invitae), Labcorp
Classification: Uncertain significance for Primary ciliary dyskinesia. Last evaluated: 2025-09-09. Review status: criteria provided, single submitter. Criteria: Invitae Variant Classification Sherloc (09022015). Collection method: clinical testing. Allele origin: germline.
Comment: This sequence change replaces glutamic acid, which is acidic and polar, with alanine, which is neutral and non-polar, at codon 870 of the RPGR (ORF15) protein (p.Glu870Ala). The frequency data for this variant in the population databases is considered unreliable, as metrics indicate insufficient coverage at this position in the gnomAD database. This variant has not been reported in the literature in individuals affected with RPGR (ORF15)-related conditions. Invitae Evidence Modeling of protein sequence and biophysical properties (such as structural, functional, and spatial information, amino acid conservation, physicochemical variation, residue mobility, and thermodynamic stability) indicates that this missense variant is not expected to disrupt RPGR (ORF15) protein function with a negative predictive value of 95%. In summary, the available evidence is currently insufficient to determine the role of this variant in disease. Therefore, it has been classified as a Variant of Uncertain Significance.